The following is an entry in ClinVar:

Conditions:
Breast-ovarian cancer, familial, susceptibility to, 1 (BROVCA1). Also called: BRCA1 Hereditary Breast and Ovarian Cancer; OVARIAN CANCER, SUSCEPTIBILITY TO. Identifiers: Orphanet 145, MedGen C2676676, MONDO:0011450, OMIM 604370. Disease mechanism: loss of function.

Submission:

Brotman Baty Institute, University of Washington
No classification provided (evidence only). Condition: Breast-ovarian cancer, familial 1. Review status: no classification provided. Collection method: in vitro. Allele origin: not applicable. Functional consequence: functionally_normal.
ClinVar note: "not provided" was previously submitted as the classification for the variant. However, the classification appeared to be based only on an observation of functional data so it was converted to no classification on 2025-07-30.

NM_007294.4(BRCA1):c.4962G>C (p.Val1654=)

Gene: BRCA1 (BRCA1 DNA repair associated; minus strand). Cytogenetic location: 17q21.31.
Variant type: single nucleotide variant.
Coding change: c.4962G>C on transcript NM_007294.4 (MANE Select); coding-DNA position 4962, G replaced by C.
Protein change: p.Val1654=; no amino-acid change (valine 1654 retained).
Molecular consequence: synonymous variant. On other transcripts: intron variant (1).
Genome position (GRCh38, 1-based): chr17:43,070,952, C>G on the plus strand (G>C on the coding strand, the complement: BRCA1 is on the minus strand). VCF-style: chr17-43070952-C-G. GRCh37 (hg19) VCF-style: chr17-41222969-C-G.
Other names: c.4959G>C, p.Val1653= (NM_001407611.1, NM_001407612.1, NM_001407613.1 and 17 more transcripts); c.4956G>C, p.Val1652= (NM_001407627.1, NM_001407628.1, NM_001407629.1 and 14 more transcripts); c.4953G>C, p.Val1651= (NM_001407644.1, NM_001407645.1); c.4950G>C, p.Val1650= (NM_001407646.1); c.4947G>C, p.Val1649= (NM_001407647.1); c.4905G>C, p.Val1635= (NM_001407648.1); c.4902G>C, p.Val1634= (NM_001407649.1); c.4962G>C, p.Val1654= (NM_001407652.1, NM_001407684.1, NM_001407854.1 and 8 more transcripts); and 71 more.
Identifiers: ClinVar variation 865731 (VCV000865731.3), dbSNP rs549640262, ClinGen allele CA500231562.
Genomic context (GRCh38, chr17:43,070,952, plus strand): 5'-CTTAGTCATTAGGGAGATACATATGGATACACTCACAAATTCTTCTGGGGTCAGGCCAGA[C>G]ACCACCATGGACATTCTTTTGTTGACCCTTTCTGTTGAAGCTGTCAATTCTGGCTTCTCC-3'
Protein context (NP_009225.1, residues 1644-1664): ERVNKRMSMV[Val1654=]SGLTPEEFML